The following is an entry in ClinVar:

NM_000091.5(COL4A3):c.2444G>A (p.Gly815Glu)

Genes: COL4A3 (collagen type IV alpha 3 chain; plus strand), MFF-DT (MFF divergent transcript; minus strand). Cytogenetic location: 2q36.3.
Variant type: single nucleotide variant.
Coding change: c.2444G>A on transcript NM_000091.5 (MANE Select); coding-DNA position 2444, G replaced by A.
Protein change: p.Gly815Glu; replaces glycine 815 with glutamic acid.
Molecular consequence: missense variant.
Genome position (GRCh38, 1-based): chr2:227,280,962, G>A. VCF-style: chr2-227280962-G-A. GRCh37 (hg19) VCF-style: chr2-228145678-G-A.
Other names: c.2444G>A (NM_000091.4); short protein forms G815E.
Identifiers: ClinVar variation 1463344 (VCV001463344.9), dbSNP rs2106154480, ClinGen allele CA350849524.

ClinVar aggregate classification (germline): Uncertain significance. Review status: criteria provided, single submitter (1 of 4 stars). 2 submissions from 2 submitters: Uncertain significance (1). 1 of the submissions does not count toward it. Last evaluated 2025-04-17.

Conditions:
COL4A3-related disorder. Also called: COL4A3-related condition; COL4A3-Related Disorders.

Submissions (2):

Labcorp Genetics (formerly Invitae), Labcorp
Classification: Uncertain significance. Last evaluated: 2025-04-17. Review status: criteria provided, single submitter. Criteria: Invitae Variant Classification Sherloc (09022015). Collection method: clinical testing. Allele origin: germline.
Comment: This sequence change replaces glycine, which is neutral and non-polar, with glutamic acid, which is acidic and polar, at codon 815 of the COL4A3 protein (p.Gly815Glu). This variant is not present in population databases (gnomAD no frequency). This variant has not been reported in the literature in individuals affected with COL4A3-related conditions. ClinVar contains an entry for this variant (Variation ID: 1463344). Invitae Evidence Modeling of protein sequence and biophysical properties (such as structural, functional, and spatial information, amino acid conservation, physicochemical variation, residue mobility, and thermodynamic stability) indicates that this missense variant is expected to disrupt COL4A3 protein function with a positive predictive value of 80%. In summary, the available evidence is currently insufficient to determine the role of this variant in disease. Therefore, it has been classified as a Variant of Uncertain Significance.

PreventionGenetics, part of Exact Sciences
Classification: Likely pathogenic for COL4A3-related condition. Last evaluated: 2024-04-15. Review status: no assertion criteria provided. Collection method: clinical testing. Allele origin: germline. Not counted in ClinVar's aggregate classification.
Comment: The COL4A3 c.2444G>A variant is predicted to result in the amino acid substitution p.Gly815Glu. To our knowledge, this variant has not been reported in the literature or in a large population database, indicating this variant is rare. This variant occurs at the conserved triple helical domain (residues 43-1438) of the COL4A3 protein, where substitutions of the glycine (Gly) residue are usually pathogenic (Hudson et al. 1993. PubMed ID: 8253711). At the glycine (Gly) residues within this domain, substitutions of a glycine (Gly) with a glutamic acid (Glu) have been widely reported to be pathogenic or likely pathogenic for autosomal dominant or recessive COL4A3 nephropathy (see for example, p.Gly207Glu Gao et al. 2022. PubMed ID: 36685964, autosomal dominant; p.Gly233Glu in Supplementary Table 2 of Sen et al. 2017. PubMed ID: 28780565, autosomal dominant; p.Gly499Glu in Zhang et al. 2021. PubMed ID: 33772369, autosomal recessive; p.Gly1015Glu in Badenas et al. 2002. PubMed ID: 11961012, autosomal dominant). Therefore, the c.2444G>A (p.Gly815Glu) variant is interpreted as likely pathogenic for both autosomal dominant and recessive COL4A3 nephropathy.